The following is an entry in ClinVar:

ClinVar aggregate classification (germline): Uncertain significance. Review status: criteria provided, multiple submitters, no conflicts (2 of 4 stars). 4 submissions from 4 submitters: Uncertain significance (3). 1 of the submissions does not count toward it. Last evaluated 2026-03-01.

Conditions:
Cardiovascular phenotype. Identifiers: MedGen CN230736.
Dystrophin deficiency.
Duchenne muscular dystrophy (DMD). Also called: MUSCULAR DYSTROPHY, PSEUDOHYPERTROPHIC PROGRESSIVE, DUCHENNE TYPE; Duchenne Muscular Dystrophy (DMD). Identifiers: Orphanet 98896, MedGen C0013264, MONDO:0010679, OMIM 310200.

Allele frequency attached by ClinVar (database versions not stated): TOPMed below 0.00001; gnomAD 0.00001.
gnomAD v4.1: 6 of 1,208,185 alleles (0.0005%); highest among the groups gnomAD compares: Non-Finnish European, 0.00067%; no homozygotes.

Submissions (4):

Ambry Genetics
Classification: Uncertain significance for Cardiovascular phenotype. Last evaluated: 2026-03-01. Review status: criteria provided, single submitter. Criteria: Ambry Variant Classification Scheme 2023. Collection method: clinical testing. Allele origin: germline.
Comment: The p.Q237H variant (also known as c.711A>C), located in coding exon 8 of the DMD gene, results from an A to C substitution at nucleotide position 711. The glutamine at codon 237 is replaced by histidine, an amino acid with highly similar properties. This amino acid position is conserved. In addition, the in silico prediction for this alteration is inconclusive. Based on the available evidence, the clinical significance of this variant remains unclear.

Labcorp Genetics (formerly Invitae), Labcorp
Classification: Uncertain significance for Duchenne muscular dystrophy. Last evaluated: 2025-01-15. Review status: criteria provided, single submitter. Criteria: Invitae Variant Classification Sherloc (09022015). Collection method: clinical testing. Allele origin: germline.
Comment: This sequence change replaces glutamine, which is neutral and polar, with histidine, which is basic and polar, at codon 237 of the DMD protein (p.Gln237His). This variant is not present in population databases (gnomAD no frequency). This missense change has been observed in individual(s) with clinical features of DMD-related conditions (PMID: 21520333). ClinVar contains an entry for this variant (Variation ID: 447263). Invitae Evidence Modeling of protein sequence and biophysical properties (such as structural, functional, and spatial information, amino acid conservation, physicochemical variation, residue mobility, and thermodynamic stability) indicates that this missense variant is not expected to disrupt DMD protein function with a negative predictive value of 95%. In summary, the available evidence is currently insufficient to determine the role of this variant in disease. Therefore, it has been classified as a Variant of Uncertain Significance.

Athena Diagnostics
Classification: Uncertain significance. Last evaluated: 2016-09-14. Review status: criteria provided, single submitter. Criteria: Athena Diagnostics Criteria. Collection method: clinical testing. Allele origin: germline.

Natera, Inc.
Classification: Uncertain significance for Dystrophin deficiency. Last evaluated: 2020-09-16. Review status: no assertion criteria provided. Collection method: clinical testing. Allele origin: germline. Not counted in ClinVar's aggregate classification.

Literature cited by the submitters: PubMed 21520333 (cited by Labcorp Genetics (formerly Invitae), Labcorp).

NM_004006.3(DMD):c.711A>C (p.Gln237His)

Gene: DMD (dystrophin; minus strand). Cytogenetic location: Xp21.1.
Variant type: single nucleotide variant.
Coding change: c.711A>C on transcript NM_004006.3 (MANE Select); coding-DNA position 711, A replaced by C.
Protein change: p.Gln237His; replaces glutamine 237 with histidine.
Molecular consequence: missense variant.
Genome position (GRCh38, 1-based): chrX:32,699,232, T>G on the plus strand (A>C on the coding strand, the complement: DMD is on the minus strand). VCF-style: chrX-32699232-T-G. GRCh37 (hg19) VCF-style: chrX-32717349-T-G.
Other names: c.687A>C, p.Gln229His (NM_000109.4); c.699A>C, p.Gln233His (NM_004009.3); c.342A>C, p.Gln114His (NM_004010.3); short protein forms Q237H, Q229H, Q114H, Q233H.
Identifiers: ClinVar variation 447263 (VCV000447263.7), dbSNP rs778632674, ClinGen allele CA412669052.